The following is an entry in ClinVar:

ClinVar aggregate classification (germline): Pathogenic. Review status: criteria provided, multiple submitters, no conflicts (2 of 4 stars). 3 submissions from 3 submitters: Pathogenic (3). Last evaluated 2024-02-28.

Conditions:
Abnormality of the nervous system. Also called: Congenital nervous system disorder. Identifiers: MedGen C0497552, MONDO:0002320, HP:0000707.

Submissions (3):

GeneDx
Classification: Pathogenic. Last evaluated: 2024-02-28. Review status: criteria provided, single submitter. Criteria: GeneDx Variant Classification Process June 2021. Collection method: clinical testing. Allele origin: germline. Affected: yes.
Comment: Nonsense variant predicted to result in protein truncation or nonsense mediated decay in a gene for which loss of function is a known mechanism of disease; Not observed at significant frequency in large population cohorts (gnomAD); This variant is associated with the following publications: (PMID: 32345733)

Labcorp Genetics (formerly Invitae), Labcorp
Classification: Pathogenic. Last evaluated: 2023-12-16. Review status: criteria provided, single submitter. Criteria: Invitae Variant Classification Sherloc (09022015). Collection method: clinical testing. Allele origin: germline.
Comment: This sequence change creates a premature translational stop signal (p.Arg889*) in the SETBP1 gene. It is expected to result in an absent or disrupted protein product. Loss-of-function variants in SETBP1 are known to be pathogenic (PMID: 21037274, 25217958). This variant is not present in population databases (gnomAD no frequency). This premature translational stop signal has been observed in individual(s) with SETBP1-related conditions (PMID: 32345733). ClinVar contains an entry for this variant (Variation ID: 636309). For these reasons, this variant has been classified as Pathogenic.

Kariminejad - Najmabadi Pathology & Genetics Center
Classification: Pathogenic for Abnormality of the nervous system. Last evaluated: 2021-07-10. Review status: criteria provided, single submitter. Criteria: ACMG Guidelines, 2015. Collection method: clinical testing. Allele origin: germline. Affected: yes.

Literature cited by the submitters: PubMed 21037274 (cited by Labcorp Genetics (formerly Invitae), Labcorp); PubMed 25217958 (cited by Labcorp Genetics (formerly Invitae), Labcorp); PubMed 32345733 (cited by Labcorp Genetics (formerly Invitae), Labcorp).

NM_015559.3(SETBP1):c.2665C>T (p.Arg889Ter)

Gene: SETBP1 (SET binding protein 1; plus strand). Cytogenetic location: 18q12.3.
Variant type: single nucleotide variant.
Coding change: c.2665C>T on transcript NM_015559.3 (MANE Select); coding-DNA position 2665, C replaced by T.
Protein change: p.Arg889Ter; replaces arginine 889 with a stop codon.
Molecular consequence: nonsense.
Genome position (GRCh38, 1-based): chr18:44,952,005, C>T. VCF-style: chr18-44952005-C-T. GRCh37 (hg19) VCF-style: chr18-42531970-C-T.
Other names: c.2665C>T (NM_015559.2); c.2665C>T, p.Arg889Ter (LRG_1150t1); short protein forms R889*.
Identifiers: ClinVar variation 636309 (VCV000636309.7), dbSNP rs1599368734, ClinGen allele CA402321946.